The following is an entry in ClinVar:

NM_000520.6(HEXA):c.34C>G (p.Leu12Val)

Gene: HEXA (hexosaminidase subunit alpha; minus strand). Cytogenetic location: 15q23.
Variant type: single nucleotide variant.
Coding change: c.34C>G on transcript NM_000520.6 (MANE Select); coding-DNA position 34, C replaced by G.
Protein change: p.Leu12Val; replaces leucine 12 with valine.
Molecular consequence: missense variant. On other transcripts: non-coding transcript variant (1).
Genome position (GRCh38, 1-based): chr15:72,375,939, G>C on the plus strand (C>G on the coding strand, the complement: HEXA is on the minus strand). VCF-style: chr15-72375939-G-C. GRCh37 (hg19) VCF-style: chr15-72668280-G-C.
Other names: c.34C>G, p.Leu12Val (NM_001318825.2); short protein forms L12V.
Identifiers: ClinVar variation 2169098 (VCV002169098.1), dbSNP rs2542582642, ClinGen allele CA393070788.

ClinVar aggregate classification (germline): Uncertain significance (1 of 4 stars; one submission).

Conditions:
Tay-Sachs disease (TSD). Also called: GM2 gangliosidosis, type 1; Hexosaminidase alpha-subunit deficiency (variant B); Sphingolipidosis, Tay-Sachs; Hexosaminidase A Deficiency; HEXA DEFICIENCY; HEXA Disorders. Identifiers: Orphanet 845, MedGen C0039373, MONDO:0010100, OMIM 272800.

gnomAD v4.1: 3 of 1,614,152 alleles (0.00019%); highest among the groups gnomAD compares: Non-Finnish European, 0.00025%; no homozygotes.

Submission:

Labcorp Genetics (formerly Invitae), Labcorp
Classification: Uncertain significance for Tay-Sachs disease. Last evaluated: 2018-04-12. Review status: criteria provided, single submitter. Criteria: Invitae Variant Classification Sherloc (09022015). Collection method: clinical testing. Allele origin: germline.
Comment: This sequence change replaces leucine with valine at codon 12 of the HEXA protein (p.Leu12Val). The leucine residue is moderately conserved and there is a small physicochemical difference between leucine and valine. This variant is not present in population databases (ExAC no frequency). This variant has not been reported in the literature in individuals with HEXA-related disease. In summary, the available evidence is currently insufficient to determine the role of this variant in disease. Therefore, it has been classified as a Variant of Uncertain Significance.